The following is an entry in ClinVar:

NM_003128.3(SPTBN1):c.94A>G (p.Asn32Asp)

Genes: SPTBN1 (spectrin beta, non-erythrocytic 1; plus strand), SPTBN1-AS1 (SPTBN1 antisense RNA 1; minus strand). Cytogenetic location: 2p16.2.
Variant type: single nucleotide variant.
Coding change: c.94A>G on transcript NM_003128.3 (MANE Select); coding-DNA position 94, A replaced by G.
Protein change: p.Asn32Asp; replaces asparagine 32 with aspartic acid.
Molecular consequence: missense variant.
Genome position (GRCh38, 1-based): chr2:54,526,512, A>G. VCF-style: chr2-54526512-A-G. GRCh37 (hg19) VCF-style: chr2-54753649-A-G.
Other names: short protein forms N32D.
Identifiers: ClinVar variation 4840049 (VCV004840049.1).

ClinVar aggregate classification (germline): Uncertain significance (1 of 4 stars; one submission).

Conditions:
Inborn genetic diseases. Identifiers: MedGen C0950123, MeSH D030342.

gnomAD v4.1: 3 of 1,614,078 alleles (0.00019%); highest among the groups gnomAD compares: Non-Finnish European, 0.00017%; no homozygotes.

Submission:

Ambry Genetics
Classification: Uncertain significance for Inborn genetic diseases. Last evaluated: 2026-02-17. Review status: criteria provided, single submitter. Criteria: Ambry Variant Classification Scheme 2023. Collection method: clinical testing. Allele origin: germline.
Comment: The c.94A>G (p.N32D) alteration is located in exon 2 (coding exon 1) of the SPTBN1 gene. This alteration results from a A to G substitution at nucleotide position 94, causing the asparagine (N) at amino acid position 32 to be replaced by an aspartic acid (D). Based on data from gnomAD, the G allele has an overall frequency of <0.001% (1/251346) total alleles studied. The highest observed frequency was 0.001% (1/113634) of European (non-Finnish) alleles. Based on insufficient or conflicting evidence, the clinical significance of this alteration remains unclear.